The following is an entry in ClinVar:

NM_001127222.2(CACNA1A):c.5421C>T (p.Ala1807=)

Gene: CACNA1A (calcium voltage-gated channel subunit alpha1 A; minus strand). Cytogenetic location: 19p13.13.
Variant type: single nucleotide variant.
Coding change: c.5421C>T on transcript NM_001127222.2 (MANE Select); coding-DNA position 5421, C replaced by T.
Protein change: p.Ala1807=; no amino-acid change (alanine 1807 retained).
Molecular consequence: synonymous variant.
Genome position (GRCh38, 1-based): chr19:13,230,189, G>A on the plus strand (C>T on the coding strand, the complement: CACNA1A is on the minus strand). VCF-style: chr19-13230189-G-A. GRCh37 (hg19) VCF-style: chr19-13341003-G-A.
Other names: c.5439C>T, p.Ala1813= (NM_000068.4, NM_023035.3); c.5424C>T, p.Ala1808= (NM_001127221.2); c.5430C>T, p.Ala1810= (NM_001174080.2).
Identifiers: ClinVar variation 390289 (VCV000390289.35), dbSNP rs372359926, ClinGen allele CA9239733.

ClinVar aggregate classification (germline): Likely benign. Review status: criteria provided, multiple submitters, no conflicts (2 of 4 stars). 4 submissions from 4 submitters: Likely benign (4). Last evaluated 2026-02-17.

Conditions:
Developmental and epileptic encephalopathy, 42 (DEE42A). Also called: DEVELOPMENTAL AND EPILEPTIC ENCEPHALOPATHY 42A; EPILEPTIC ENCEPHALOPATHY, EARLY INFANTILE, 42A; Epileptic encephalopathy, early infantile, 42. Identifiers: MedGen C4310716, MONDO:0014917, OMIM 617106.
Episodic ataxia type 2 (EA2). Also called: ATAXIA, EPISODIC, WITH NYSTAGMUS; ATAXIA, FAMILIAL PAROXYSMAL; CEREBELLAR ATAXIA, PAROXYSMAL, ACETAZOLAMIDE-RESPONSIVE; CEREBELLOPATHY, HEREDITARY PAROXYSMAL; ACETAZOLAMIDE-RESPONSIVE HEREDITARY PAROXYSMAL CEREBELLAR ATAXIA; EPISODIC ATAXIA, NYSTAGMUS-ASSOCIATED. Identifiers: Orphanet 97, MedGen C1720416, MONDO:0007163, OMIM 108500.

Allele frequency attached by ClinVar (database versions not stated): TOPMed 0.00001; ExAC 0.00002; gnomAD 0.00003; gnomAD exomes 0.00003; ESP Exome Variant Server 0.00008.
gnomAD v4.1: 36 of 1,613,756 alleles (0.0022%); highest among the groups gnomAD compares: East Asian, 0.0045%; no homozygotes.

Submissions (4):

Women's Health and Genetics/Laboratory Corporation of America, LabCorp
Classification: Likely benign. Last evaluated: 2026-02-17. Review status: criteria provided, single submitter. Criteria: LabCorp Variant Classification Summary - May 2015. Collection method: clinical testing. Allele origin: germline.

Labcorp Genetics (formerly Invitae), Labcorp
Classification: Likely benign for Developmental and epileptic encephalopathy, 42; Episodic ataxia type 2. Last evaluated: 2025-06-22. Review status: criteria provided, single submitter. Criteria: Invitae Variant Classification Sherloc (09022015). Collection method: clinical testing. Allele origin: germline.

CeGaT Center for Human Genetics Tuebingen
Classification: Likely benign. Last evaluated: 2023-04-01. Review status: criteria provided, single submitter. Criteria: CeGaT Center For Human Genetics Tuebingen Variant Classification Criteria Version 2. Collection method: clinical testing. Allele origin: germline. Affected: yes. Observed: 1 variant allele.
Comment: CACNA1A: BP4, BP7

GeneDx
Classification: Likely benign. Last evaluated: 2016-10-28. Review status: criteria provided, single submitter. Criteria: GeneDx Variant Classification (06012015). Collection method: clinical testing. Allele origin: germline. Affected: yes.
Comment: This variant is considered likely benign or benign based on one or more of the following criteria: it is a conservative change, it occurs at a poorly conserved position in the protein, it is predicted to be benign by multiple in silico algorithms, and/or has population frequency not consistent with disease.